The following is an entry in ClinVar:

NM_002599.5(PDE2A):c.249C>A (p.Thr83=)

Gene: PDE2A (phosphodiesterase 2A; minus strand). Cytogenetic location: 11q13.4.
Variant type: single nucleotide variant.
Coding change: c.249C>A on transcript NM_002599.5 (MANE Select); coding-DNA position 249, C replaced by A.
Protein change: p.Thr83=; no amino-acid change (threonine 83 retained).
Molecular consequence: synonymous variant.
Genome position (GRCh38, 1-based): chr11:72,605,212, G>T on the plus strand (C>A on the coding strand, the complement: PDE2A is on the minus strand). VCF-style: chr11-72605212-G-T. GRCh37 (hg19) VCF-style: chr11-72316256-G-T.
Other names: c.228C>A, p.Thr76= (NM_001143839.4); c.222C>A, p.Thr74= (NM_001146209.3); c.186C>A, p.Thr62= (NM_001243784.2).
Identifiers: ClinVar variation 3342095 (VCV003342095.16).

ClinVar aggregate classification (germline): Likely benign (1 of 4 stars; one submission).

gnomAD v4.1: 7 of 1,607,402 alleles (0.00044%); highest among the groups gnomAD compares: African/African-American, 0.0094%; no homozygotes.

Submission:

CeGaT Center for Human Genetics Tuebingen
Classification: Likely benign. Last evaluated: 2024-08-01. Review status: criteria provided, single submitter. Criteria: CeGaT Center For Human Genetics Tuebingen Variant Classification Criteria Version 2. Collection method: clinical testing. Allele origin: germline. Affected: yes. Observed: 1 variant allele.
Comment: PDE2A: BP4, BP7